The following is an entry in ClinVar:

ClinVar aggregate classification (germline): Uncertain significance. Review status: criteria provided, multiple submitters, no conflicts (2 of 4 stars). 5 submissions from 5 submitters: Uncertain significance (4). 1 of the submissions does not count toward it. Last evaluated 2023-07-25.

Conditions:
BARD1-related disorder. Also called: BARD1-related condition.
Hereditary cancer-predisposing syndrome. Also called: Hereditary neoplastic syndrome; Neoplastic Syndromes, Hereditary; Hereditary Cancer Syndrome; Tumor predisposition. Identifiers: Orphanet 140162, MedGen C0027672, MeSH D009386, MONDO:0015356.
Familial cancer of breast. Also called: Hereditary breast cancer; hereditary breast carcinoma; BREAST CANCER, FAMILIAL. Identifiers: Orphanet 227535, MedGen C0346153, MONDO:0016419, OMIM 114480. Disease mechanism: loss of function.

Submissions (5):

Baylor Genetics
Classification: Uncertain significance for Familial cancer of breast. Last evaluated: 2023-07-25. Review status: criteria provided, single submitter. Criteria: ACMG Guidelines, 2015. Collection method: clinical testing. Allele origin: unknown.

Labcorp Genetics (formerly Invitae), Labcorp
Classification: Uncertain significance for Familial cancer of breast. Last evaluated: 2022-11-03. Review status: criteria provided, single submitter. Criteria: Invitae Variant Classification Sherloc (09022015). Collection method: clinical testing. Allele origin: germline.
Comment: This sequence change replaces methionine, which is neutral and non-polar, with threonine, which is neutral and polar, at codon 621 of the BARD1 protein (p.Met621Thr). This variant is not present in population databases (gnomAD no frequency). This variant has not been reported in the literature in individuals affected with BARD1-related conditions. ClinVar contains an entry for this variant (Variation ID: 659396). Algorithms developed to predict the effect of missense changes on protein structure and function (SIFT, PolyPhen-2, Align-GVGD) all suggest that this variant is likely to be disruptive. In summary, the available evidence is currently insufficient to determine the role of this variant in disease. Therefore, it has been classified as a Variant of Uncertain Significance.

GeneDx
Classification: Uncertain significance. Last evaluated: 2022-02-03. Review status: criteria provided, single submitter. Criteria: GeneDx Variant Classification Process June 2021. Collection method: clinical testing. Allele origin: germline. Affected: yes.
Comment: Not observed at significant frequency in large population cohorts (gnomAD); In silico analysis supports that this missense variant has a deleterious effect on protein structure/function; Has not been previously published as pathogenic or benign to our knowledge; This variant is associated with the following publications: (PMID: 17550235, 18480049)

Ambry Genetics
Classification: Uncertain significance for Hereditary cancer-predisposing syndrome. Last evaluated: 2020-11-09. Review status: criteria provided, single submitter. Criteria: Ambry Variant Classification Scheme 2023. Collection method: clinical testing. Allele origin: germline.
Comment: The p.M621T variant (also known as c.1862T>C), located in coding exon 9 of the BARD1 gene, results from a T to C substitution at nucleotide position 1862. The methionine at codon 621 is replaced by threonine, an amino acid with similar properties. This amino acid position is well conserved in available vertebrate species. In addition, this alteration is predicted to be tolerated by in silico analysis. Since supporting evidence is limited at this time, the clinical significance of this alteration remains unclear.

PreventionGenetics, part of Exact Sciences
Classification: Uncertain significance for BARD1-related condition. Last evaluated: 2024-08-05. Review status: no assertion criteria provided. Collection method: clinical testing. Allele origin: germline. Not counted in ClinVar's aggregate classification.
Comment: The BARD1 c.1862T>C variant is predicted to result in the amino acid substitution p.Met621Thr. To our knowledge, this variant has not been reported in the literature in individuals with BARD1 related disease. This variant has not been reported in a large population database, indicating this variant is rare. At this time, the clinical significance of this variant is uncertain due to the absence of conclusive functional and genetic evidence.

NM_000465.4(BARD1):c.1862T>C (p.Met621Thr)

Gene: BARD1 (BRCA1 associated RING domain 1; minus strand). Cytogenetic location: 2q35.
Variant type: single nucleotide variant.
Coding change: c.1862T>C on transcript NM_000465.4 (MANE Select); coding-DNA position 1862, T replaced by C.
Protein change: p.Met621Thr; replaces methionine 621 with threonine.
Molecular consequence: missense variant. On other transcripts: non-coding transcript variant (3), intron variant (1).
Genome position (GRCh38, 1-based): chr2:214,745,108, A>G on the plus strand (T>C on the coding strand, the complement: BARD1 is on the minus strand). VCF-style: chr2-214745108-A-G. GRCh37 (hg19) VCF-style: chr2-215609832-A-G.
Other names: c.1805T>C, p.Met602Thr (NM_001282543.2); c.509T>C, p.Met170Thr (NM_001282545.2); c.452T>C, p.Met151Thr (NM_001282548.2); c.365-14600T>C (NM_001282549.2); short protein forms M151T, M602T, M170T, M621T.
Identifiers: ClinVar variation 659396 (VCV000659396.10), dbSNP rs1574737288, ClinGen allele CA350452165.